The following is an entry in ClinVar:

ClinVar aggregate classification (germline): Likely benign. Review status: criteria provided, multiple submitters, no conflicts (2 of 4 stars). 2 submissions from 2 submitters: Likely benign (2). Last evaluated 2025-02-01.

Conditions:
Progressive myoclonic epilepsy type 8. Identifiers: Orphanet 424027, MedGen C5190825, MONDO:0014545, OMIM 616230.

Allele frequency attached by ClinVar (database versions not stated): TOPMed below 0.00001; gnomAD exomes 0.00001.
gnomAD v4.1: 6 of 1,552,518 alleles (0.00039%); highest among the groups gnomAD compares: Non-Finnish European, 0.00052%; no homozygotes.

Submissions (2):

CeGaT Center for Human Genetics Tuebingen
Classification: Likely benign. Last evaluated: 2025-02-01. Review status: criteria provided, single submitter. Criteria: CeGaT Center For Human Genetics Tuebingen Variant Classification Criteria Version 2. Collection method: clinical testing. Allele origin: germline. Affected: yes. Observed: 1 variant allele.
Comment: CERS1: BP4, BP7

Labcorp Genetics (formerly Invitae), Labcorp
Classification: Likely benign for Progressive myoclonic epilepsy type 8. Last evaluated: 2021-07-01. Review status: criteria provided, single submitter. Criteria: Invitae Variant Classification Sherloc (09022015). Collection method: clinical testing. Allele origin: germline.

NM_021267.5(CERS1):c.717A>G (p.Ala239=)

Genes: CERS1 (ceramide synthase 1; minus strand), GDF1 (growth differentiation factor 1; minus strand). Cytogenetic location: 19p13.11.
Variant type: single nucleotide variant.
Coding change: c.717A>G on transcript NM_021267.5 (MANE Select); coding-DNA position 717, A replaced by G.
Protein change: p.Ala239=; no amino-acid change (alanine 239 retained).
Molecular consequence: synonymous variant. On other transcripts: 5 prime UTR variant (1), intron variant (1).
Genome position (GRCh38, 1-based): chr19:18,880,309, T>C on the plus strand (A>G on the coding strand, the complement: CERS1 is on the minus strand). VCF-style: chr19-18880309-T-C. GRCh37 (hg19) VCF-style: chr19-18991118-T-C.
Other names: c.423A>G, p.Ala141= (NM_001290265.2, NM_001387442.1, NM_001387443.1 and 2 more transcripts); c.717A>G, p.Ala239= (NM_001387439.1, NM_001387440.1, NM_198207.3); c.672A>G, p.Ala224= (NM_001387441.1); c.-606A>G (NM_001492.6); c.-313+3778A>G (NM_001387438.1).
Identifiers: ClinVar variation 1622905 (VCV001622905.21), dbSNP rs2056171735, ClinGen allele CA506047211.